The following is an entry in ClinVar:

NM_004260.4(RECQL4):c.2518C>T (p.Leu840=)

Gene: RECQL4 (RecQ like helicase 4; minus strand). Cytogenetic location: 8q24.3.
Variant type: single nucleotide variant.
Coding change: c.2518C>T on transcript NM_004260.4 (MANE Select); coding-DNA position 2518, C replaced by T.
Protein change: p.Leu840=; no amino-acid change (leucine 840 retained).
Molecular consequence: synonymous variant.
Genome position (GRCh38, 1-based): chr8:144,513,084, G>A on the plus strand (C>T on the coding strand, the complement: RECQL4 is on the minus strand). VCF-style: chr8-144513084-G-A. GRCh37 (hg19) VCF-style: chr8-145738467-G-A.
Identifiers: ClinVar variation 414194 (VCV000414194.36), dbSNP rs201106179, ClinGen allele CA4948202.

ClinVar aggregate classification (germline): Likely benign. Review status: criteria provided, multiple submitters, no conflicts (2 of 4 stars). 4 submissions from 4 submitters: Likely benign (4). Last evaluated 2026-01-01.

Conditions:
RECQL4-related disorder. Also called: RECQL4-related condition; RECQL4-related disorders.
Baller-Gerold syndrome (BGS). Also called: CRANIOSYNOSTOSIS WITH RADIAL DEFECTS. Identifiers: Orphanet 1225, MedGen C0265308, MONDO:0009039, OMIM 218600.

Allele frequency attached by ClinVar (database versions not stated): gnomAD 0.00001 and 0.00002; TOPMed 0.00003; gnomAD exomes 0.00004 and 0.00006; ExAC 0.00011.
gnomAD v4.1: 56 of 1,576,714 alleles (0.0036%); highest among the groups gnomAD compares: Middle Eastern, 0.034%; no homozygotes.

Submissions (4):

CeGaT Center for Human Genetics Tuebingen
Classification: Likely benign. Last evaluated: 2026-01-01. Review status: criteria provided, single submitter. Criteria: CeGaT Center For Human Genetics Tuebingen Variant Classification Criteria Version 2. Collection method: clinical testing. Allele origin: germline. Affected: yes. Observed: 2 variant alleles.
Comment: RECQL4: BP4, BP7

Labcorp Genetics (formerly Invitae), Labcorp
Classification: Likely benign for Baller-Gerold syndrome. Last evaluated: 2025-12-08. Review status: criteria provided, single submitter. Criteria: Invitae Variant Classification Sherloc (09022015). Collection method: clinical testing. Allele origin: germline.

PreventionGenetics, part of Exact Sciences
Classification: Likely benign for RECQL4-related condition. Last evaluated: 2025-10-24. Review status: criteria provided, single submitter. Criteria: ACMG Guidelines, 2015. Collection method: clinical testing. Allele origin: germline.
Comment: This variant is classified as likely benign based on ACMG/AMP sequence variant interpretation guidelines (Richards et al. 2015 PMID: 25741868, with internal and published modifications).

Blueprint Genetics
Classification: Likely benign. Last evaluated: 2024-02-19. Review status: criteria provided, single submitter. Criteria: ACMG Guidelines, 2015. Collection method: clinical testing. Allele origin: germline.